The following is an entry in ClinVar:

NM_006231.4(POLE):c.1393G>T (p.Ala465Ser)

Gene: POLE (DNA polymerase epsilon, catalytic subunit; minus strand). Cytogenetic location: 12q24.33.
Variant type: single nucleotide variant.
Coding change: c.1393G>T on transcript NM_006231.4 (MANE Select); coding-DNA position 1393, G replaced by T.
Protein change: p.Ala465Ser; replaces alanine 465 with serine.
Molecular consequence: missense variant.
Genome position (GRCh38, 1-based): chr12:132,673,244, C>A on the plus strand (G>T on the coding strand, the complement: POLE is on the minus strand). VCF-style: chr12-132673244-C-A. GRCh37 (hg19) VCF-style: chr12-133249830-C-A.
Other names: short protein forms A465S.
Identifiers: ClinVar variation 1054055 (VCV001054055.12), dbSNP rs771526654, ClinGen allele CA6893968.

ClinVar aggregate classification (germline): Uncertain significance. Review status: criteria provided, multiple submitters, no conflicts (2 of 4 stars). 3 submissions from 3 submitters: Uncertain significance (3). Last evaluated 2026-01-15.

Conditions:
Hereditary cancer-predisposing syndrome. Also called: Hereditary Cancer Syndrome; Neoplastic Syndromes, Hereditary; Tumor predisposition; Hereditary neoplastic syndrome. Identifiers: Orphanet 140162, MedGen C0027672, MeSH D009386, MONDO:0015356.
Colorectal cancer, susceptibility to, 12 (CRCS12). Also called: COLORECTAL CANCER, SUSCEPTIBILITY TO, ON CHROMOSOME 12q24. Identifiers: Orphanet 220460, MedGen C3554460, MONDO:0014038, OMIM 615083.

Allele frequency attached by ClinVar (database versions not stated): ExAC 0.00001.
gnomAD v4.1: 4 of 1,613,138 alleles (0.00025%); highest among the groups gnomAD compares: South Asian, 0.0022%; no homozygotes.

Submissions (3):

Ambry Genetics
Classification: Uncertain significance for Hereditary cancer-predisposing syndrome. Last evaluated: 2026-01-15. Review status: criteria provided, single submitter. Criteria: Ambry Variant Classification Scheme 2023. Collection method: clinical testing. Allele origin: germline.
Comment: The p.A465S variant (also known as c.1393G>T), located in coding exon 14 of the POLE gene, results from a G to T substitution at nucleotide position 1393. The alanine at codon 465 is replaced by serine, an amino acid with similar properties. This amino acid position is highly conserved in available vertebrate species. In addition, the in silico prediction for this alteration is inconclusive. Based on the available evidence, the clinical significance of this variant remains unclear.

Baylor Genetics
Classification: Uncertain significance for Colorectal cancer, susceptibility to, 12. Last evaluated: 2023-09-15. Review status: criteria provided, single submitter. Criteria: ACMG Guidelines, 2015. Collection method: clinical testing. Allele origin: unknown.

Labcorp Genetics (formerly Invitae), Labcorp
Classification: Uncertain significance. Last evaluated: 2021-12-08. Review status: criteria provided, single submitter. Criteria: Invitae Variant Classification Sherloc (09022015). Collection method: clinical testing. Allele origin: germline.
Comment: This sequence change replaces alanine, which is neutral and non-polar, with serine, which is neutral and polar, at codon 465 of the POLE protein (p.Ala465Ser). This variant is present in population databases (rs771526654, gnomAD 0.006%). This variant has not been reported in the literature in individuals affected with POLE-related conditions. ClinVar contains an entry for this variant (Variation ID: 1054055). Algorithms developed to predict the effect of missense changes on protein structure and function are either unavailable or do not agree on the potential impact of this missense change (SIFT: "Tolerated"; PolyPhen-2: "Possibly Damaging"; Align-GVGD: "Class C0"). In summary, the available evidence is currently insufficient to determine the role of this variant in disease. Therefore, it has been classified as a Variant of Uncertain Significance.